The following is an entry in ClinVar:

NM_003128.3(SPTBN1):c.5779A>G (p.Met1927Val)

Gene: SPTBN1 (spectrin beta, non-erythrocytic 1; plus strand). Cytogenetic location: 2p16.2.
Variant type: single nucleotide variant.
Coding change: c.5779A>G on transcript NM_003128.3 (MANE Select); coding-DNA position 5779, A replaced by G.
Protein change: p.Met1927Val; replaces methionine 1927 with valine.
Molecular consequence: missense variant.
Genome position (GRCh38, 1-based): chr2:54,653,810, A>G. VCF-style: chr2-54653810-A-G. GRCh37 (hg19) VCF-style: chr2-54880947-A-G.
Other names: c.5740A>G, p.Met1914Val (NM_178313.3); short protein forms M1914V, M1927V.
Identifiers: ClinVar variation 3370702 (VCV003370702.2).

ClinVar aggregate classification (germline): Uncertain significance (1 of 4 stars; one submission).

Submission:

GeneDx
Classification: Uncertain significance. Last evaluated: 2025-04-03. Review status: criteria provided, single submitter. Criteria: GeneDx Variant Classification Process June 2021. Collection method: clinical testing. Allele origin: germline. Affected: yes.
Comment: Not observed at significant frequency in large population cohorts (gnomAD); In silico analysis supports that this missense variant has a deleterious effect on protein structure/function; Has not been previously published as pathogenic or benign to our knowledge